The following is an entry in ClinVar:

ClinVar aggregate classification (germline): Uncertain significance. Review status: criteria provided, multiple submitters, no conflicts (2 of 4 stars). 2 submissions from 2 submitters: Uncertain significance (2). Last evaluated 2022-05-12.

Conditions:
Autosomal dominant Robinow syndrome 2. Identifiers: Orphanet 3107, Orphanet 97360, MedGen C4225363, MONDO:0014591, OMIM 616331.

Allele frequency attached by ClinVar (database versions not stated): gnomAD 0.00001; TOPMed 0.00002.
gnomAD v4.1: 11 of 1,581,030 alleles (0.0007%); highest among the groups gnomAD compares: African/African-American, 0.0013%; no homozygotes.

Submissions (2):

Labcorp Genetics (formerly Invitae), Labcorp
Classification: Uncertain significance. Last evaluated: 2022-05-12. Review status: criteria provided, single submitter. Criteria: Invitae Variant Classification Sherloc (09022015). Collection method: clinical testing. Allele origin: germline.
Comment: In summary, the available evidence is currently insufficient to determine the role of this variant in disease. Therefore, it has been classified as a Variant of Uncertain Significance. Algorithms developed to predict the effect of missense changes on protein structure and function are either unavailable or do not agree on the potential impact of this missense change (SIFT: "Tolerated"; PolyPhen-2: "Possibly Damaging"; Align-GVGD: "Class C0"). This variant has not been reported in the literature in individuals affected with DVL1-related conditions. This variant is present in population databases (no rsID available, gnomAD 0.01%). This sequence change replaces arginine, which is basic and polar, with glutamine, which is neutral and polar, at codon 116 of the DVL1 protein (p.Arg116Gln).

Revvity Omics, Revvity
Classification: Uncertain significance for Autosomal dominant Robinow syndrome 2. Last evaluated: 2021-12-21. Review status: criteria provided, single submitter. Criteria: ACMG Guidelines, 2015. Collection method: clinical testing. Allele origin: germline.

NM_001330311.2(DVL1):c.347G>A (p.Arg116Gln)

Gene: DVL1 (dishevelled segment polarity protein 1; minus strand). Cytogenetic location: 1p36.33.
Variant type: single nucleotide variant.
Coding change: c.347G>A on transcript NM_001330311.2 (MANE Select); coding-DNA position 347, G replaced by A.
Protein change: p.Arg116Gln; replaces arginine 116 with glutamine.
Molecular consequence: missense variant.
Genome position (GRCh38, 1-based): chr1:1,342,378, C>T on the plus strand (G>A on the coding strand, the complement: DVL1 is on the minus strand). VCF-style: chr1-1342378-C-T. GRCh37 (hg19) VCF-style: chr1-1277758-C-T.
Other names: c.347G>A, p.Arg116Gln (NM_004421.3); short protein forms R116Q.
Identifiers: ClinVar variation 2184197 (VCV002184197.7), dbSNP rs1375565508, ClinGen allele CA337875827.